The following is an entry in ClinVar:

ClinVar aggregate classification (germline): Benign/Likely benign. Review status: criteria provided, multiple submitters, no conflicts (2 of 4 stars). 16 submissions from 16 submitters: Benign (7); Likely benign (7). 2 of the submissions do not count toward it. Last evaluated 2026-09-01.

Conditions:
Autoinflammatory syndrome. Identifiers: Orphanet 93665, MedGen C3890737, MONDO:0019751.
Majeed syndrome (MJDS). Also called: LPIN2-Related Majeed Syndrome; CHRONIC RECURRENT MULTIFOCAL OSTEOMYELITIS 1, WITH CONGENITAL DYSERYTHROPOIETIC ANEMIA, WITH OR WITHOUT NEUTROPHILIC DERMATOSIS. Identifiers: Orphanet 77297, MedGen C1864997, MONDO:0012316, OMIM 609628.

Allele frequency attached by ClinVar (database versions not stated): 1000 Genomes Project 0.00519; 1000 Genomes Project 30x 0.00609; ExAC 0.00790; gnomAD 0.00824 and 0.00827; ESP Exome Variant Server 0.00892; gnomAD exomes 0.00892 and 0.00907; TOPMed 0.00952.
gnomAD v4.1: 14,719 of 1,614,068 alleles (0.91%); highest among the groups gnomAD compares: Middle Eastern, 3.9%; 113 homozygotes.

Submissions (16):

CeGaT Center for Human Genetics Tuebingen
Classification: Benign. Last evaluated: 2026-09-01. Review status: criteria provided, single submitter. Criteria: CeGaT Center For Human Genetics Tuebingen Variant Classification Criteria Version 2. Collection method: clinical testing. Allele origin: germline. Affected: yes. Observed: 42 variant alleles.
Comment: LPIN2: BS1, BS2

Labcorp Genetics (formerly Invitae), Labcorp
Classification: Benign for Majeed syndrome. Last evaluated: 2026-02-03. Review status: criteria provided, single submitter. Criteria: Invitae Variant Classification Sherloc (09022015). Collection method: clinical testing. Allele origin: germline.

Women's Health and Genetics/Laboratory Corporation of America, LabCorp
Classification: Likely benign. Last evaluated: 2026-01-23. Review status: criteria provided, single submitter. Criteria: LabCorp Variant Classification Summary - May 2015. Collection method: clinical testing. Allele origin: germline.

ARUP Laboratories, Molecular Genetics and Genomics, ARUP Laboratories
Classification: Benign for Majeed syndrome. Last evaluated: 2025-05-29. Review status: criteria provided, single submitter. Criteria: ARUP Molecular Germline Variant Investigation Process 2024. Collection method: clinical testing. Allele origin: germline.

Blueprint Genetics
Classification: Likely benign. Last evaluated: 2024-11-27. Review status: criteria provided, single submitter. Criteria: ACMG Guidelines, 2015. Collection method: clinical testing. Allele origin: germline.

Mayo Clinic Laboratories, Mayo Clinic
Classification: Benign. Last evaluated: 2022-08-08. Review status: criteria provided, single submitter. Criteria: ACMG Guidelines, 2015. Collection method: clinical testing. Allele origin: germline. Observed: 31 variant alleles.
Comment: BS1, BS2, BP4

Genome Diagnostics Laboratory, The Hospital for Sick Children
Classification: Benign for Autoinflammatory syndrome. Last evaluated: 2022-03-31. Review status: criteria provided, single submitter. Criteria: ACMG Guidelines, 2015. Collection method: clinical testing. Allele origin: germline. Affected: yes.

Genetics and Molecular Pathology, SA Pathology
Classification: Likely benign for Majeed syndrome. Last evaluated: 2019-12-18. Review status: criteria provided, single submitter. Criteria: ACMG Guidelines, 2015. Collection method: clinical testing. Allele origin: germline.
Comment: This variant is considered likely benign or benign based on one or more of the following criteria: it is a conservative change, it occurs at a poorly conserved position in the protein, it is predicted to be benign by multiple in silico algorithms, and/or has population frequency not consistent with disease.

GeneDx
Classification: Benign. Last evaluated: 2018-12-19. Review status: criteria provided, single submitter. Criteria: GeneDx Variant Classification Process June 2021. Collection method: clinical testing. Allele origin: germline. Affected: yes.
Comment: This variant is associated with the following publications: (PMID: 27884173, 22995991, 26764160)

Center for Pediatric Genomic Medicine, Children's Mercy Hospital and Clinics
Classification: Likely benign. Last evaluated: 2017-05-30. Review status: criteria provided, single submitter. Criteria: ACMG Guidelines, 2015. Collection method: clinical testing. Allele origin: germline.

Illumina Laboratory Services, Illumina
Classification: Likely benign for Majeed syndrome. Last evaluated: 2017-04-27. Review status: criteria provided, single submitter. Criteria: ICSL Variant Classification Criteria 13 December 2019. Collection method: clinical testing. Allele origin: germline.
Comment: This variant was observed as part of a predisposition screen in an ostensibly healthy population. A literature search was performed for the gene, cDNA change, and amino acid change (where applicable). No publications were found based on this search. Allele frequency data from public databases allowed determination this variant is unlikely to cause disease. Therefore, this variant is classified as likely benign.

Laboratory for Molecular Medicine, Mass General Brigham Personalized Medicine
Classification: Likely benign. Last evaluated: 2016-03-29. Review status: criteria provided, single submitter. Criteria: LMM Criteria. Collection method: clinical testing. Allele origin: germline.
Comment: Variant identified in a genome or exome case(s) and assessed due to predicted null impact of the variant or pathogenic assertions in the literature or databases. Disclaimer: This variant has not undergone full assessment. The following are preliminary notes: HGMD entry based on exitence in disease database and personal communication, reportedly identified in patient(s) with psioriasis, but no inofmration is available. MAF 1.2%.

Breakthrough Genomics
Classification: Likely benign. Review status: criteria provided, single submitter. Criteria: ACMG Guidelines, 2015. Collection method: not provided. Allele origin: germline. Inheritance: Unknown mechanism. Affected: yes.

PreventionGenetics, part of Exact Sciences
Classification: Benign. Review status: criteria provided, single submitter. Criteria: ACMG Guidelines, 2015. Collection method: clinical testing. Allele origin: germline.

Genome Diagnostics Laboratory, University Medical Center Utrecht
Classification: Benign. Review status: no assertion criteria provided. Collection method: clinical testing. Allele origin: germline. Affected: yes. Study: VKGL Data-share Consensus. Not counted in ClinVar's aggregate classification.

Laboratory of Diagnostic Genome Analysis, Leiden University Medical Center (LUMC)
Classification: Likely benign. Review status: no assertion criteria provided. Collection method: clinical testing. Allele origin: germline. Affected: yes. Study: VKGL Data-share Consensus. Not counted in ClinVar's aggregate classification.

NM_001375808.2(LPIN2):c.1801G>A (p.Glu601Lys)

Gene: LPIN2 (lipin 2; minus strand). Cytogenetic location: 18p11.31.
Variant type: single nucleotide variant.
Coding change: c.1801G>A on transcript NM_001375808.2 (MANE Select); coding-DNA position 1801, G replaced by A.
Protein change: p.Glu601Lys; replaces glutamic acid 601 with lysine.
Molecular consequence: missense variant.
Genome position (GRCh38, 1-based): chr18:2,925,361, C>T on the plus strand (G>A on the coding strand, the complement: LPIN2 is on the minus strand). VCF-style: chr18-2925361-C-T. GRCh37 (hg19) VCF-style: chr18-2925359-C-T.
Other names: p.E601K:GAG>AAG; c.1801G>A, p.Glu601Lys (NM_001375809.1, NM_014646.2); short protein forms E601K.
Identifiers: ClinVar variation 138133 (VCV000138133.72), dbSNP rs61735393, ClinGen allele CA291955.